The following is an entry in ClinVar:

NM_001008216.2(GALE):c.1028G>C (p.Gly343Ala)

Gene: GALE (UDP-galactose-4-epimerase; minus strand). Cytogenetic location: 1p36.11.
Variant type: single nucleotide variant.
Coding change: c.1028G>C on transcript NM_001008216.2 (MANE Select); coding-DNA position 1028, G replaced by C.
Protein change: p.Gly343Ala; replaces glycine 343 with alanine.
Molecular consequence: missense variant.
Genome position (GRCh38, 1-based): chr1:23,795,968, C>G on the plus strand (G>C on the coding strand, the complement: GALE is on the minus strand). VCF-style: chr1-23795968-C-G. GRCh37 (hg19) VCF-style: chr1-24122458-C-G.
Other names: c.1028G>C, p.Gly343Ala (NM_000403.4, NM_001127621.2); short protein forms G343A.
Identifiers: ClinVar variation 1374302 (VCV001374302.5), dbSNP rs918539847, ClinGen allele CA19276695.

ClinVar aggregate classification (germline): Uncertain significance (1 of 4 stars; one submission).

Conditions:
UDPglucose-4-epimerase deficiency. Also called: UDPglucose 4-Epimerase Deficiency Disease; GALACTOSEMIA III; GALE DEFICIENCY; UDP-GALACTOSE-4-EPIMERASE DEFICIENCY; Galactose epimerase deficiency; Epimerase Deficiency Galactosemia. Identifiers: Orphanet 352, Orphanet 79238, MedGen C0751161, MONDO:0009257, OMIM 230350.

Allele frequency attached by ClinVar (database versions not stated): TOPMed below 0.00001; gnomAD exomes 0.00001.

Submission:

Labcorp Genetics (formerly Invitae), Labcorp
Classification: Uncertain significance for UDPglucose-4-epimerase deficiency. Last evaluated: 2022-07-12. Review status: criteria provided, single submitter. Criteria: Invitae Variant Classification Sherloc (09022015). Collection method: clinical testing. Allele origin: germline.
Comment: This sequence change replaces glycine, which is neutral and non-polar, with alanine, which is neutral and non-polar, at codon 343 of the GALE protein (p.Gly343Ala). This variant is present in population databases (no rsID available, gnomAD 0.006%). This variant has not been reported in the literature in individuals affected with GALE-related conditions. ClinVar contains an entry for this variant (Variation ID: 1374302). Algorithms developed to predict the effect of missense changes on protein structure and function (SIFT, PolyPhen-2, Align-GVGD) all suggest that this variant is likely to be disruptive. In summary, the available evidence is currently insufficient to determine the role of this variant in disease. Therefore, it has been classified as a Variant of Uncertain Significance.